The following is an entry in ClinVar:

NM_022089.4(ATP13A2):c.3409G>A (p.Val1137Met)

Gene: ATP13A2 (ATPase cation transporting 13A2; minus strand). Cytogenetic location: 1p36.13.
Variant type: single nucleotide variant.
Coding change: c.3409G>A on transcript NM_022089.4 (MANE Select); coding-DNA position 3409, G replaced by A.
Protein change: p.Val1137Met; replaces valine 1137 with methionine.
Molecular consequence: missense variant.
Genome position (GRCh38, 1-based): chr1:16,986,355, C>T on the plus strand (G>A on the coding strand, the complement: ATP13A2 is on the minus strand). VCF-style: chr1-16986355-C-T. GRCh37 (hg19) VCF-style: chr1-17312850-C-T.
Other names: c.3409G>A (NM_022089.2); c.3394G>A, p.Val1132Met (NM_001141973.3); c.3107G>A, p.Arg1036His (NM_001141974.3); short protein forms V1137M, V1132M, R1036H.
Identifiers: ClinVar variation 567500 (VCV000567500.7), dbSNP rs528943677, ClinGen allele CA636487.
Genomic context (GRCh38, chr1:16,986,355, plus strand): 5'-TCTTGGAGGCCCGCTTGGGCCGGAGGCGGCGCAGGCAGGCGGGGAGGCACTGGTCTAGCA[C>T]GCTCTGCAAAGGGCAGGGAGGGTGTCAGGGGCAGCCGGGGCTGAGCTGGGGTCAATGCAC-3'
Protein context (NP_071372.1, residues 1127-1147): NFVGAFMLES[Val1137Met]LDQCLPACLR

ClinVar aggregate classification (germline): Uncertain significance. Review status: criteria provided, multiple submitters, no conflicts (2 of 4 stars). 2 submissions from 2 submitters: Uncertain significance (2). Last evaluated 2025-12-15.

Conditions:
Kufor-Rakeb syndrome (KRS). Also called: PARKINSON DISEASE 9, AUTOSOMAL RECESSIVE, JUVENILE-ONSET. Identifiers: Orphanet 306674, Orphanet 314632, MedGen C1847640, MONDO:0011706, OMIM 606693.
Autosomal recessive spastic paraplegia type 78. Identifiers: Orphanet 513436, MedGen C5567893, MONDO:0014975, OMIM 617225.
Inborn genetic diseases. Identifiers: MedGen C0950123, MeSH D030342.

Allele frequency attached by ClinVar (database versions not stated): gnomAD exomes 0.00002; ExAC 0.00005; gnomAD 0.00007; TOPMed 0.00007; 1000 Genomes Project 30x 0.00016; 1000 Genomes Project 0.00020.
gnomAD v4.1: 36 of 1,579,496 alleles (0.0023%); highest among the groups gnomAD compares: Admixed American, 0.0037%; no homozygotes.

Submissions (2):

Ambry Genetics
Classification: Uncertain significance for Inborn genetic diseases. Last evaluated: 2025-12-15. Review status: criteria provided, single submitter. Criteria: Ambry Variant Classification Scheme 2023. Collection method: clinical testing. Allele origin: germline.

Labcorp Genetics (formerly Invitae), Labcorp
Classification: Uncertain significance for Kufor-Rakeb syndrome; Autosomal recessive spastic paraplegia type 78. Last evaluated: 2023-05-08. Review status: criteria provided, single submitter. Criteria: Invitae Variant Classification Sherloc (09022015). Collection method: clinical testing. Allele origin: germline.
Comment: This variant has not been reported in the literature in individuals affected with ATP13A2-related conditions. ClinVar contains an entry for this variant (Variation ID: 567500). Advanced modeling of protein sequence and biophysical properties (such as structural, functional, and spatial information, amino acid conservation, physicochemical variation, residue mobility, and thermodynamic stability) performed at Invitae indicates that this missense variant is not expected to disrupt ATP13A2 protein function. In summary, the available evidence is currently insufficient to determine the role of this variant in disease. Therefore, it has been classified as a Variant of Uncertain Significance. This variant is present in population databases (rs528943677, gnomAD 0.005%). This sequence change replaces valine, which is neutral and non-polar, with methionine, which is neutral and non-polar, at codon 1137 of the ATP13A2 protein (p.Val1137Met).